The following is an entry in ClinVar:

NM_007294.4(BRCA1):c.1669A>G (p.Thr557Ala)

Gene: BRCA1 (BRCA1 DNA repair associated; minus strand). Cytogenetic location: 17q21.31.
Variant type: single nucleotide variant.
Coding change: c.1669A>G on transcript NM_007294.4 (MANE Select); coding-DNA position 1669, A replaced by G.
Protein change: p.Thr557Ala; replaces threonine 557 with alanine.
Molecular consequence: missense variant. On other transcripts: intron variant (137).
Genome position (GRCh38, 1-based): chr17:43,093,862, T>C on the plus strand (A>G on the coding strand, the complement: BRCA1 is on the minus strand). VCF-style: chr17-43093862-T-C. GRCh37 (hg19) VCF-style: chr17-41245879-T-C.
Other names: c.1456A>G, p.Thr486Ala (NM_001407571.1, NM_001407853.1, NM_001407894.1 and 9 more transcripts); c.1669A>G, p.Thr557Ala (NM_001407581.1, NM_001407582.1, NM_001407583.1 and 30 more transcripts); c.1666A>G, p.Thr556Ala (NM_001407587.1, NM_001407590.1, NM_001407591.1 and 22 more transcripts); c.1660A>G, p.Thr554Ala (NM_001407646.1, NM_001407647.1); c.1546A>G, p.Thr516Ala (NM_001407648.1, NM_001407664.1, NM_001407665.1 and 19 more transcripts); c.1543A>G, p.Thr515Ala (NM_001407649.1, NM_001407670.1, NM_001407671.1 and 11 more transcripts); c.1591A>G, p.Thr531Ala (NM_001407653.1, NM_001407654.1, NM_001407655.1 and 4 more transcripts); c.1588A>G, p.Thr530Ala (NM_001407659.1, NM_001407660.1, NM_001407661.1 and 1 more transcripts); and 40 more; short protein forms T557A, T510A, T487A, T531A, T430A, T446A, T468A, T486A.
Identifiers: ClinVar variation 54321 (VCV000054321.9), dbSNP rs397508895, ClinGen allele CA001099.

ClinVar aggregate classification (germline): Conflicting classifications of pathogenicity. Review status: criteria provided, conflicting classifications (1 of 4 stars). 3 submissions from 3 submitters: Uncertain significance (1); Likely benign (1). 1 of the submissions does not count toward it. Last evaluated 2023-03-23.

Conditions:
Hereditary cancer-predisposing syndrome. Also called: Neoplastic Syndromes, Hereditary; Tumor predisposition; Hereditary Cancer Syndrome; Hereditary neoplastic syndrome. Identifiers: Orphanet 140162, MedGen C0027672, MeSH D009386, MONDO:0015356.
Familial cancer of breast. Also called: BREAST CANCER, FAMILIAL; Hereditary breast cancer; hereditary breast carcinoma. Identifiers: Orphanet 227535, MedGen C0346153, MONDO:0016419, OMIM 114480. Disease mechanism: loss of function.
Hereditary breast ovarian cancer syndrome. Also called: Hereditary breast and ovarian cancer syndrome; Hereditary breast and ovarian cancer; Hereditary breast and ovarian cancer syndrome (HBOC); Breast and ovarian cancer; Hereditary breast and/or ovarian cancer syndrome; BRCA1- and BRCA2-Associated Hereditary Breast and Ovarian Cancer. Identifiers: Orphanet 145, MedGen C0677776, MeSH D061325, MONDO:0003582. Disease mechanism: loss of function.

Allele frequency attached by ClinVar (database versions not stated): TOPMed 0.00001.

Submissions (3):

University of Washington Department of Laboratory Medicine, University of Washington
Classification: Likely benign for Hereditary cancer-predisposing syndrome. Last evaluated: 2023-03-23. Review status: criteria provided, single submitter. Criteria: Dines et al. (Genet Med. 2020). Collection method: curation. Allele origin: germline.
Comment: Missense variant in a coldspot region where missense variants are very unlikely to be pathogenic (PMID:31911673).

BRCA1 coldspot (exon 11 using historical exon numbering). Reclassification based on statistical prior probability

Labcorp Genetics (formerly Invitae), Labcorp
Classification: Uncertain significance for Hereditary breast ovarian cancer syndrome. Last evaluated: 2022-06-22. Review status: criteria provided, single submitter. Criteria: Invitae Variant Classification Sherloc (09022015). Collection method: clinical testing. Allele origin: germline.
Comment: In summary, the available evidence is currently insufficient to determine the role of this variant in disease. Therefore, it has been classified as a Variant of Uncertain Significance. Advanced modeling of protein sequence and biophysical properties (such as structural, functional, and spatial information, amino acid conservation, physicochemical variation, residue mobility, and thermodynamic stability) performed at Invitae indicates that this missense variant is not expected to disrupt BRCA1 protein function. ClinVar contains an entry for this variant (Variation ID: 54321). This missense change has been observed in individual(s) with breast cancer (PMID: 12872263). This variant is not present in population databases (gnomAD no frequency). This sequence change replaces threonine, which is neutral and polar, with alanine, which is neutral and non-polar, at codon 557 of the BRCA1 protein (p.Thr557Ala).

ClinVar Staff, National Center for Biotechnology Information (NCBI)
No classification provided. Condition: Familial cancer of breast. Review status: no classification provided. Collection method: literature only. Allele origin: germline. Affected: yes. Not counted in ClinVar's aggregate classification.

Literature cited by the submitters: PubMed 12872263 (cited by Labcorp Genetics (formerly Invitae), Labcorp and ClinVar Staff, National Center for Biotechnology Information (NCBI)).